The following is an entry in ClinVar:

ClinVar aggregate classification (germline): Likely pathogenic (1 of 4 stars; one submission).

gnomAD v4.1: 5 of 1,614,012 alleles (0.00031%); highest among the groups gnomAD compares: Non-Finnish European, 0.00042%; no homozygotes.

Submission:

Labcorp Genetics (formerly Invitae), Labcorp
Classification: Likely pathogenic. Last evaluated: 2026-01-24. Review status: criteria provided, single submitter. Criteria: Invitae Variant Classification Sherloc (09022015). Collection method: clinical testing. Allele origin: germline.
Comment: This sequence change affects an acceptor splice site in intron 2 of the BMP1 gene. It is expected to disrupt RNA splicing. Variants that disrupt the donor or acceptor splice site typically lead to a loss of protein function (PMID: 16199547), and loss-of-function variants in BMP1 are known to be pathogenic (PMID: 25656619, 27576954, 28257626). This variant is present in population databases (no rsID available, gnomAD 0.0009%). This variant has not been reported in the literature in individuals affected with BMP1-related conditions. Algorithms developed to predict the effect of sequence changes on RNA splicing suggest that this variant may disrupt the consensus splice site. In summary, the currently available evidence indicates that the variant is pathogenic, but additional data are needed to prove that conclusively. Therefore, this variant has been classified as Likely Pathogenic.

Literature cited by the submitters: PubMed 16199547; PubMed 25656619; PubMed 27576954; PubMed 28257626.

NM_006129.5(BMP1):c.263-1G>A

Gene: BMP1 (bone morphogenetic protein 1; plus strand). Cytogenetic location: 8p21.3.
Variant type: single nucleotide variant.
Coding change: c.263-1G>A on transcript NM_006129.5 (MANE Select); the canonical splice acceptor site of the intron before coding-DNA position 263, G replaced by A.
Molecular consequence: splice acceptor variant.
Genome position (GRCh38, 1-based): chr8:22,176,142, G>A. VCF-style: chr8-22176142-G-A. GRCh37 (hg19) VCF-style: chr8-22033655-G-A.
Other names: c.263-1G>A (NM_001199.4).
Identifiers: ClinVar variation 4803865 (VCV004803865.1).
Genomic context (GRCh38, chr8:22,176,142, plus strand): 5'-TATGCTTTTGCTTTCCTCCTCTTTCTCTCCACTCACTAGTCACCATGACTTCCTCTCTCA[G>A]TTCCAGGAAACACTTCTACCCCCAGCTGCCAGAGCACCAACGGGCAGCCTCAGAGGGGAG-3'